The following is an entry in ClinVar:

ClinVar aggregate classification (germline): Uncertain significance (1 of 4 stars; one submission).

gnomAD v4.1: 3 of 1,614,050 alleles (0.00019%); highest among the groups gnomAD compares: Admixed American, 0.0017%; no homozygotes.

Submission:

Labcorp Genetics (formerly Invitae), Labcorp
Classification: Uncertain significance. Last evaluated: 2024-02-06. Review status: criteria provided, single submitter. Criteria: Invitae Variant Classification Sherloc (09022015). Collection method: clinical testing. Allele origin: germline.
Comment: This sequence change replaces methionine, which is neutral and non-polar, with threonine, which is neutral and polar, at codon 507 of the MCM5 protein (p.Met507Thr). This variant is not present in population databases (gnomAD no frequency). This variant has not been reported in the literature in individuals affected with MCM5-related conditions. Advanced modeling of protein sequence and biophysical properties (such as structural, functional, and spatial information, amino acid conservation, physicochemical variation, residue mobility, and thermodynamic stability) performed at Invitae indicates that this missense variant is not expected to disrupt MCM5 protein function with a negative predictive value of 80%. In summary, the available evidence is currently insufficient to determine the role of this variant in disease. Therefore, it has been classified as a Variant of Uncertain Significance.

NM_006739.4(MCM5):c.1520T>C (p.Met507Thr)

Gene: MCM5 (minichromosome maintenance complex component 5; plus strand). Cytogenetic location: 22q12.3.
Variant type: single nucleotide variant.
Coding change: c.1520T>C on transcript NM_006739.4 (MANE Select); coding-DNA position 1520, T replaced by C.
Protein change: p.Met507Thr; replaces methionine 507 with threonine.
Molecular consequence: missense variant.
Genome position (GRCh38, 1-based): chr22:35,416,744, T>C. VCF-style: chr22-35416744-T-C. GRCh37 (hg19) VCF-style: chr22-35812737-T-C.
Other names: short protein forms M507T.
Identifiers: ClinVar variation 3615155 (VCV003615155.2).